The following is an entry in ClinVar:

ClinVar aggregate classification (germline): Benign (1 of 4 stars; one submission).

Allele frequency attached by ClinVar (database versions not stated): gnomAD exomes 0.21381; TOPMed 0.21709; 1000 Genomes Project 30x 0.26374; 1000 Genomes Project 0.26538.

Submission:

GeneDx
Classification: Benign. Last evaluated: 2019-10-16. Review status: criteria provided, single submitter. Criteria: GeneDx Variant Classification Process June 2021. Collection method: clinical testing. Allele origin: germline. Affected: yes.
Comment: This variant is associated with the following publications: (PMID: 30986821)

NC_000015.10:g.73952269A>G

Gene: LOXL1 (lysyl oxidase like 1; plus strand). Cytogenetic location: 15q24.1.
Variant type: single nucleotide variant.
Genome position: GRCh38 VCF-style: chr15-73952269-A-G. GRCh37 (hg19) VCF-style: chr15-74244610-A-G.
Identifiers: ClinVar variation 1266506 (VCV001266506.3), dbSNP rs7173049, ClinGen allele CA16509877.
Genomic context (GRCh38, chr15:73,952,269, plus strand): 5'-AGGCATCATCCTTCCCCTCGCCAAATGTGGAAAGGGCAGCCACCACCCGGTCAGGACCAC[A>G]GTGACCATGAGGGCGCTGAGCCCATCGTGGAAGCCTGTGGGGTTGAGCCCTTGGCCAAGC-3'